The following is an entry in ClinVar:

NM_001356.5(DDX3X):c.250TTC[1] (p.Phe85del)

Gene: DDX3X (DEAD-box helicase 3 X-linked; plus strand). Cytogenetic location: Xp11.4.
Variant type: Microsatellite.
Coding change: c.250TTC[1] on transcript NM_001356.5 (MANE Select); one copy of the 3-base unit TTC starting at c.250; the reference has two copies in a row; one copy, 3 bases deleted.
Protein change: p.Phe85del; deletes phenylalanine 85.
Molecular consequence: inframe deletion. On other transcripts: 5 prime UTR variant (1), non-coding transcript variant (1).
Genome position (GRCh38, 1-based): chrX:41,341,585-41,341,587, TTC deleted; deleting any 3 consecutive bases within chrX:41,341,581-41,341,587 gives the same sequence; the position shown is the placement nearest the transcript's 3' end. VCF-style (leftmost placement, unchanged base first): chrX-41341580-GCTT-G. GRCh37 (hg19) VCF-style: chrX-41200833-GCTT-G.
Other names: c.250TTC[1], p.Phe85del (NM_001193416.3); c.202TTC[1], p.Phe69del (NM_001193417.3); c.-309TTC[1] (NM_001363819.1); short protein forms F69del, F85del.
Identifiers: ClinVar variation 1913486 (VCV001913486.5), dbSNP rs761693623, ClinGen allele CA329018702.

ClinVar aggregate classification (germline): Uncertain significance. Review status: criteria provided, multiple submitters, no conflicts (2 of 4 stars). 2 submissions from 2 submitters: Uncertain significance (2). Last evaluated 2024-07-22.

Conditions:
Intellectual disability, X-linked 102 (MRXSSB). Also called: Intellectual developmental disorder, X-linked syndromic, Snijders Blok type. Identifiers: Orphanet 457260, MedGen C5393299, MONDO:0010497, OMIM 300958.

Submissions (2):

Labcorp Genetics (formerly Invitae), Labcorp
Classification: Uncertain significance. Last evaluated: 2024-07-22. Review status: criteria provided, single submitter. Criteria: Invitae Variant Classification Sherloc (09022015). Collection method: clinical testing. Allele origin: germline.
Comment: This variant, c.253_255del, results in the deletion of 1 amino acid(s) of the DDX3X protein (p.Phe85del), but otherwise preserves the integrity of the reading frame. This variant is present in population databases (rs761693623, gnomAD 0.001%). This variant has not been reported in the literature in individuals affected with DDX3X-related conditions. Experimental studies and prediction algorithms are not available or were not evaluated, and the functional significance of this variant is currently unknown. In summary, the available evidence is currently insufficient to determine the role of this variant in disease. Therefore, it has been classified as a Variant of Uncertain Significance.

MVZ Martinsried, Medicover Genetics
Classification: Uncertain significance for Intellectual disability, X-linked 102. Last evaluated: 2022-11-07. Review status: criteria provided, single submitter. Criteria: ACGS Guidelines, 2020. Collection method: clinical testing. Allele origin: inherited. Affected: yes.